The following is an entry in ClinVar:

NM_000069.3(CACNA1S):c.4434G>A (p.Lys1478=)

Gene: CACNA1S (calcium voltage-gated channel subunit alpha1 S; minus strand). Cytogenetic location: 1q32.1.
Variant type: single nucleotide variant.
Coding change: c.4434G>A on transcript NM_000069.3 (MANE Select); coding-DNA position 4434, G replaced by A.
Protein change: p.Lys1478=; no amino-acid change (lysine 1478 retained).
Molecular consequence: synonymous variant.
Genome position (GRCh38, 1-based): chr1:201,048,589, C>T on the plus strand (G>A on the coding strand, the complement: CACNA1S is on the minus strand). VCF-style: chr1-201048589-C-T. GRCh37 (hg19) VCF-style: chr1-201017717-C-T.
Identifiers: ClinVar variation 3386301 (VCV003386301.1).
Genomic context (GRCh38, chr1:201,048,589, plus strand): 5'-CAGAAACAGCCTCTGGGAGAAAGGAGGGGGCTCACATTGGAAGGCACTCTCACCTTCCGT[C>T]TTGATCTTGAGTGCCGTGCGGACCAGGGCAAAGAGTGTGGCATTGAAGGTGACTGTGCCG-3'
Protein context (NP_000060.2, residues 1468-1488): FALVRTALKI[Lys1478=]TEGNFEQANE

ClinVar aggregate classification (germline): Likely benign (1 of 4 stars; one submission).

Conditions:
Malignant hyperthermia, susceptibility to, 5 (MHS5). Also called: CACNA1S-Related Malignant Hyperthermia Susceptibility. Identifiers: Orphanet 423, MedGen C1866077, MONDO:0011163, OMIM 601887.

gnomAD v4.1: 1 of 1,613,416 alleles (0.000062%); no homozygotes.

Submission:

All of Us Research Program, National Institutes of Health
Classification: Likely benign for Malignant hyperthermia, susceptibility to, 5. Last evaluated: 2024-06-09. Review status: criteria provided, single submitter. Criteria: ACMG Guidelines, 2015. Collection method: clinical testing. Allele origin: germline. Inheritance: Autosomal dominant inheritance. Observed: 1 variant allele, 1 heterozygote.
Comment: This study involves interpretation of variants in research participants for the purpose of population health screening. Participant phenotype was not available at the time of variant classification. Additional details can be found in publication PMID: 35346344, PMCID: PMC8962531